The following is an entry in ClinVar:

NM_005159.5(ACTC1):c.397G>A (p.Ala133Thr)

Genes: ACTC1 (actin alpha cardiac muscle 1; minus strand), GJD2-DT (GJD2 divergent transcript; plus strand). Cytogenetic location: 15q14.
Variant type: single nucleotide variant.
Coding change: c.397G>A on transcript NM_005159.5 (MANE Select); coding-DNA position 397, G replaced by A.
Protein change: p.Ala133Thr; replaces alanine 133 with threonine.
Molecular consequence: missense variant.
Genome position (GRCh38, 1-based): chr15:34,793,302, C>T on the plus strand (G>A on the coding strand, the complement: ACTC1 is on the minus strand). VCF-style: chr15-34793302-C-T. GRCh37 (hg19) VCF-style: chr15-35085503-C-T.
Other names: c.397G>A (LRG_388t1); short protein forms A133T.
Identifiers: ClinVar variation 570215 (VCV000570215.13), dbSNP rs1566967697, ClinGen allele CA391631324.

ClinVar aggregate classification (germline): Uncertain significance. Review status: criteria provided, multiple submitters, no conflicts (2 of 4 stars). 4 submissions from 4 submitters: Uncertain significance (4). Last evaluated 2025-11-03.

Conditions:
Atrial septal defect 5 (ASD5). Identifiers: Orphanet 1478, MedGen C2748552, MONDO:0013011, OMIM 612794.
Hypertrophic cardiomyopathy 11. Also called: ACTC1-Related Familial Hypertrophic Cardiomyopathy. Identifiers: MedGen C2677506, MONDO:0012799, OMIM 612098.
Dilated cardiomyopathy 1R (CMD1R). Identifiers: Orphanet 154, Orphanet 54260, MedGen C3150681, MONDO:0013261, OMIM 613424.

Submissions (4):

Labcorp Genetics (formerly Invitae), Labcorp
Classification: Uncertain significance for Dilated cardiomyopathy 1R; Hypertrophic cardiomyopathy 11; Atrial septal defect 5. Last evaluated: 2025-11-03. Review status: criteria provided, single submitter. Criteria: Invitae Variant Classification Sherloc (09022015). Collection method: clinical testing. Allele origin: germline.
Comment: This sequence change replaces alanine, which is neutral and non-polar, with threonine, which is neutral and polar, at codon 133 of the ACTC1 protein (p.Ala133Thr). This variant is not present in population databases (gnomAD no frequency). This missense change has been observed in individual(s) with clinical features of ACTC1-related conditions (internal data). ClinVar contains an entry for this variant (Variation ID: 570215). Invitae Evidence Modeling of protein sequence and biophysical properties (such as structural, functional, and spatial information, amino acid conservation, physicochemical variation, residue mobility, and thermodynamic stability) indicates that this missense variant is not expected to disrupt ACTC1 protein function with a negative predictive value of 80%. In summary, the available evidence is currently insufficient to determine the role of this variant in disease. Therefore, it has been classified as a Variant of Uncertain Significance.

GeneDx
Classification: Uncertain significance. Last evaluated: 2023-08-21. Review status: criteria provided, single submitter. Criteria: GeneDx Variant Classification Process June 2021. Collection method: clinical testing. Allele origin: germline. Affected: yes.
Comment: Not observed at significant frequency in large population cohorts (gnomAD); In silico analysis supports that this missense variant has a deleterious effect on protein structure/function; Has not been previously published as pathogenic or benign to our knowledge

Blueprint Genetics
Classification: Uncertain significance. Last evaluated: 2019-09-04. Review status: criteria provided, single submitter. Criteria: ACMG Guidelines, 2015. Collection method: clinical testing. Allele origin: germline.

Women's Health and Genetics/Laboratory Corporation of America, LabCorp
Classification: Uncertain significance. Last evaluated: 2018-11-05. Review status: criteria provided, single submitter. Criteria: LabCorp Variant Classification Summary - May 2015. Collection method: clinical testing. Allele origin: germline.
Comment: Variant summary: ACTC1 c.397G>A (p.Ala133Thr) results in a non-conservative amino acid change in the encoded protein sequence. Five of five in-silico tools predict a damaging effect of the variant on protein function. The variant was absent in 246190 control chromosomes. The available data on variant occurrences in the general population are insufficient to allow any conclusion about variant significance. To our knowledge, no occurrence of c.397G>A in individuals affected with Cardiomyopathy and no experimental evidence demonstrating its impact on protein function have been reported. One clinical diagnostic laboratory has submitted clinical-significance assessments for this variant to ClinVar after 2014 without evidence for independent evaluation and classified the variant as uncertain significance. Based on the evidence outlined above, the variant was classified as uncertain significance.